The following is an entry in ClinVar:

NM_004278.4(PIGL):c.115_155del (p.Gly38_Ala39insTer)

Gene: PIGL (phosphatidylinositol glycan anchor biosynthesis class L; plus strand). Cytogenetic location: 17p11.2.
Variant type: Deletion.
Coding change: c.115_155del on transcript NM_004278.4 (MANE Select); coding-DNA positions 115 to 155, 41 bases deleted.
Protein change: p.Gly38_Ala39insTer.
Molecular consequence: nonsense.
Genome position (GRCh38, 1-based): chr17:16,217,341-16,217,381, 41 bases deleted; deleting any 41 consecutive bases within chr17:16,217,339-16,217,381 gives the same sequence; the c. name uses the placement nearest the transcript's 3' end. GRCh37 (hg19): chr17:16,120,655-16,120,695.
Other names: c.115_155del, p.Gly38_Ala39insTer (NM_001411072.1).
Identifiers: ClinVar variation 4715680 (VCV004715680.1).

ClinVar aggregate classification (germline): Pathogenic (1 of 4 stars; one submission).

Submission:

Labcorp Genetics (formerly Invitae), Labcorp
Classification: Pathogenic. Last evaluated: 2025-03-28. Review status: criteria provided, single submitter. Criteria: Invitae Variant Classification Sherloc (09022015). Collection method: clinical testing. Allele origin: germline.
Comment: This sequence change creates a premature translational stop signal (p.Ala39*) in the PIGL gene. It is expected to result in an absent or disrupted protein product. Loss-of-function variants in PIGL are known to be pathogenic (PMID: 22444671). This variant is not present in population databases (gnomAD no frequency). This variant has not been reported in the literature in individuals affected with PIGL-related conditions. For these reasons, this variant has been classified as Pathogenic.

Literature cited by the submitters: PubMed 22444671.